The following is an entry in ClinVar:

ClinVar aggregate classification (germline): Likely benign. Review status: criteria provided, multiple submitters, no conflicts (2 of 4 stars). 2 submissions from 2 submitters: Likely benign (2). Last evaluated 2024-06-07.

Allele frequency attached by ClinVar (database versions not stated): gnomAD 0.00002; TOPMed 0.00002; ExAC 0.00004.
gnomAD v4.1: 38 of 1,604,932 alleles (0.0024%); highest among the groups gnomAD compares: Non-Finnish European, 0.0029%; no homozygotes.

Submissions (2):

Blueprint Genetics
Classification: Likely benign. Last evaluated: 2024-06-07. Review status: criteria provided, single submitter. Criteria: ACMG Guidelines, 2015. Collection method: clinical testing. Allele origin: germline.

CeGaT Center for Human Genetics Tuebingen
Classification: Likely benign. Last evaluated: 2023-01-01. Review status: criteria provided, single submitter. Criteria: CeGaT Center For Human Genetics Tuebingen Variant Classification Criteria Version 2. Collection method: clinical testing. Allele origin: germline. Affected: yes. Observed: 1 variant allele.
Comment: APC2: BP4, BP7

NM_005883.3(APC2):c.5190A>G (p.Leu1730=)

Gene: APC2 (APC regulator of Wnt signaling pathway 2; plus strand). Cytogenetic location: 19p13.3.
Variant type: single nucleotide variant.
Coding change: c.5190A>G on transcript NM_005883.3 (MANE Select); coding-DNA position 5190, A replaced by G.
Protein change: p.Leu1730=; no amino-acid change (leucine 1730 retained).
Molecular consequence: synonymous variant.
Genome position (GRCh38, 1-based): chr19:1,468,491, A>G. VCF-style: chr19-1468491-A-G. GRCh37 (hg19) VCF-style: chr19-1468490-A-G.
Other names: c.5187A>G, p.Leu1729= (NM_001351273.1).
Identifiers: ClinVar variation 2648930 (VCV002648930.25), dbSNP rs200862822, ClinGen allele CA9045987.
Genomic context (GRCh38, chr19:1,468,491, plus strand): 5'-CTCGTCCGAGTCCGACTCCATCCTGTCCTTCGTATCCGGGCTGTCAGTGGGATCCACCCT[A>G]CAGCCCCCCAAGCACAGGAAGGGACGACAGGCGGAGGGAGAAATGGGCAGTGCCCGGCGG-3'
Protein context (NP_005874.1, residues 1720-1740): FVSGLSVGST[Leu1730=]QPPKHRKGRQ